The following continues an entry in ClinVar:

NM_000492.4(CFTR):c.224G>A (p.Arg75Gln)

Gene: CFTR. ClinVar aggregate classification (germline): Conflicting classifications of pathogenicity. Uncertain significance (2); Benign (8); Likely benign (8).

Literature cited by the submitters, continued: PubMed 25569187 (cited by Quest Diagnostics Nichols Institute San Juan Capistrano); PubMed 25492507 (cited by Quest Diagnostics Nichols Institute San Juan Capistrano); PubMed 16915933 (cited by Quest Diagnostics Nichols Institute San Juan Capistrano); PubMed 26436105 (cited by Quest Diagnostics Nichols Institute San Juan Capistrano); PubMed 25826586 (cited by Quest Diagnostics Nichols Institute San Juan Capistrano); PubMed 26437683 (cited by Quest Diagnostics Nichols Institute San Juan Capistrano); PubMed 27555793 (cited by Quest Diagnostics Nichols Institute San Juan Capistrano); PubMed 26335950 (cited by Quest Diagnostics Nichols Institute San Juan Capistrano); PubMed 33144682 (cited by Quest Diagnostics Nichols Institute San Juan Capistrano); PubMed 31674704 (cited by Quest Diagnostics Nichols Institute San Juan Capistrano); PubMed 32155011 (cited by Quest Diagnostics Nichols Institute San Juan Capistrano); PubMed 9921909 (cited by Quest Diagnostics Nichols Institute San Juan Capistrano); PubMed 36264955 (cited by Quest Diagnostics Nichols Institute San Juan Capistrano); PubMed 32447501 (cited by Quest Diagnostics Nichols Institute San Juan Capistrano); PubMed 33341408 (cited by Quest Diagnostics Nichols Institute San Juan Capistrano); PubMed 38025192 (cited by Quest Diagnostics Nichols Institute San Juan Capistrano); PubMed 23781395 (cited by Quest Diagnostics Nichols Institute San Juan Capistrano); PubMed 18306312 (cited by Quest Diagnostics Nichols Institute San Juan Capistrano); PubMed 14872121 (cited by Quest Diagnostics Nichols Institute San Juan Capistrano); PubMed 10950058 (cited by Quest Diagnostics Nichols Institute San Juan Capistrano and Laboratory for Molecular Medicine, Mass General Brigham Personalized Medicine); PubMed 25033378 (cited by Quest Diagnostics Nichols Institute San Juan Capistrano); PubMed 22427236 (cited by 3 submitters); PubMed 26856995 (cited by Quest Diagnostics Nichols Institute San Juan Capistrano); PubMed 28603918 (cited by Quest Diagnostics Nichols Institute San Juan Capistrano); PubMed 24624459 (cited by Quest Diagnostics Nichols Institute San Juan Capistrano); PubMed 20977904 (cited by 3 submitters); PubMed 24451227 (cited by Quest Diagnostics Nichols Institute San Juan Capistrano and Laboratory for Molecular Medicine, Mass General Brigham Personalized Medicine); PubMed 15463907 (cited by Quest Diagnostics Nichols Institute San Juan Capistrano and Laboratory for Molecular Medicine, Mass General Brigham Personalized Medicine); PubMed 23974870 (cited by Quest Diagnostics Nichols Institute San Juan Capistrano); PubMed 1710599 (cited by Quest Diagnostics Nichols Institute San Juan Capistrano); PubMed 23420618 (cited by Quest Diagnostics Nichols Institute San Juan Capistrano); PubMed 39062716 (cited by Quest Diagnostics Nichols Institute San Juan Capistrano); PubMed 38388235 (cited by Quest Diagnostics Nichols Institute San Juan Capistrano); PubMed 38927485 (cited by Quest Diagnostics Nichols Institute San Juan Capistrano); PubMed 30763667 (cited by Quest Diagnostics Nichols Institute San Juan Capistrano); PubMed 30979466 (cited by Quest Diagnostics Nichols Institute San Juan Capistrano); PubMed 31378749 (cited by Quest Diagnostics Nichols Institute San Juan Capistrano); PubMed 28469871 (cited by Quest Diagnostics Nichols Institute San Juan Capistrano); PubMed 29589582 (cited by Quest Diagnostics Nichols Institute San Juan Capistrano); PubMed 29174009 (cited by Quest Diagnostics Nichols Institute San Juan Capistrano); PubMed 9797105 (cited by 3 submitters); PubMed 34996830 (cited by Quest Diagnostics Nichols Institute San Juan Capistrano); PubMed 34405919 (cited by Quest Diagnostics Nichols Institute San Juan Capistrano); PubMed 35096544 (cited by Quest Diagnostics Nichols Institute San Juan Capistrano); PubMed 35011616 (cited by Quest Diagnostics Nichols Institute San Juan Capistrano); PubMed 34680554 (cited by Quest Diagnostics Nichols Institute San Juan Capistrano); PubMed 33613790 (cited by Quest Diagnostics Nichols Institute San Juan Capistrano); PubMed 35418593 (cited by Quest Diagnostics Nichols Institute San Juan Capistrano); PubMed 7739684 (cited by Illumina Laboratory Services, Illumina); PubMed 16741161 (cited by Laboratory for Molecular Medicine, Mass General Brigham Personalized Medicine).